The following is an entry in ClinVar:

NM_001136191.3(KANK2):c.440C>T (p.Ser147Phe)

Gene: KANK2 (KN motif and ankyrin repeat domains 2; minus strand). Cytogenetic location: 19p13.2.
Variant type: single nucleotide variant.
Coding change: c.440C>T on transcript NM_001136191.3 (MANE Select); coding-DNA position 440, C replaced by T.
Protein change: p.Ser147Phe; replaces serine 147 with phenylalanine.
Molecular consequence: missense variant.
Genome position (GRCh38, 1-based): chr19:11,193,640, G>A on the plus strand (C>T on the coding strand, the complement: KANK2 is on the minus strand). VCF-style: chr19-11193640-G-A. GRCh37 (hg19) VCF-style: chr19-11304316-G-A.
Other names: c.440C>T, p.Ser147Phe (NM_001329451.2, NM_001379548.1, NM_001379549.1 and 15 more transcripts); short protein forms S147F.
Identifiers: ClinVar variation 4089623 (VCV004089623.2).

ClinVar aggregate classification (germline): Uncertain significance. Review status: criteria provided, multiple submitters, no conflicts (2 of 4 stars). 2 submissions from 2 submitters: Uncertain significance (2). Last evaluated 2025-10-08.

gnomAD v4.1: 73 of 1,595,462 alleles (0.0046%); highest among the groups gnomAD compares: South Asian, 0.066%; 2 homozygotes.

Submissions (2):

Labcorp Genetics (formerly Invitae), Labcorp
Classification: Uncertain significance. Last evaluated: 2025-10-08. Review status: criteria provided, single submitter. Criteria: Invitae Variant Classification Sherloc (09022015). Collection method: clinical testing. Allele origin: germline.
Comment: This sequence change replaces serine, which is neutral and polar, with phenylalanine, which is neutral and non-polar, at codon 147 of the KANK2 protein (p.Ser147Phe). This variant is present in population databases (rs575810149, gnomAD 0.07%), and has an allele count higher than expected for a pathogenic variant. This variant has not been reported in the literature in individuals affected with KANK2-related conditions. An algorithm developed to predict the effect of missense changes on protein structure and function (PolyPhen-2) suggests that this variant is likely to be disruptive. In summary, the available evidence is currently insufficient to determine the role of this variant in disease. Therefore, it has been classified as a Variant of Uncertain Significance.

Ambry Genetics
Classification: Uncertain significance. Last evaluated: 2025-08-01. Review status: criteria provided, single submitter. Criteria: Ambry Variant Classification Scheme 2023. Collection method: clinical testing. Allele origin: germline.